The following is an entry in ClinVar:

NM_001367624.2(ZNF469):c.6452C>T (p.Pro2151Leu)

Gene: ZNF469 (zinc finger protein 469; plus strand). Cytogenetic location: 16q24.2.
Variant type: single nucleotide variant.
Coding change: c.6452C>T on transcript NM_001367624.2 (MANE Select); coding-DNA position 6452, C replaced by T.
Protein change: p.Pro2151Leu; replaces proline 2151 with leucine.
Molecular consequence: missense variant.
Genome position (GRCh38, 1-based): chr16:88,433,922, C>T. VCF-style: chr16-88433922-C-T. GRCh37 (hg19) VCF-style: chr16-88500330-C-T.
Other names: NM_001127464.1:c.6368C>T; short protein forms P2151L.
Identifiers: ClinVar variation 1753081 (VCV001753081.2), dbSNP rs1906380938, ClinGen allele CA397105967.

ClinVar aggregate classification (germline): Uncertain significance (1 of 4 stars; one submission).

Conditions:
Cardiovascular phenotype. Identifiers: MedGen CN230736.

Allele frequency attached by ClinVar (database versions not stated): TOPMed below 0.00001; gnomAD 0.00001.

Submission:

Ambry Genetics
Classification: Uncertain significance for Cardiovascular phenotype. Last evaluated: 2022-08-08. Review status: criteria provided, single submitter. Criteria: Ambry Variant Classification Scheme 2023. Collection method: clinical testing. Allele origin: germline.
Comment: The p.P2123L variant (also known as c.6368C>T), located in coding exon 2 of the ZNF469 gene, results from a C to T substitution at nucleotide position 6368. The proline at codon 2123 is replaced by leucine, an amino acid with similar properties. This amino acid position is conserved. In addition, this alteration is predicted to be tolerated by in silico analysis. Since supporting evidence is limited at this time, the clinical significance of this alteration remains unclear.